The following is an entry in ClinVar:

NM_005428.4(VAV1):c.45G>A (p.Arg15=)

Gene: VAV1 (vav guanine nucleotide exchange factor 1; plus strand). Cytogenetic location: 19p13.3.
Variant type: single nucleotide variant.
Coding change: c.45G>A on transcript NM_005428.4 (MANE Select); coding-DNA position 45, G replaced by A.
Protein change: p.Arg15=; no amino-acid change (arginine 15 retained).
Molecular consequence: synonymous variant.
Genome position (GRCh38, 1-based): chr19:6,772,852, G>A. VCF-style: chr19-6772852-G-A. GRCh37 (hg19) VCF-style: chr19-6772863-G-A.
Other names: c.45G>A, p.Arg15= (NM_001258206.2, NM_001258207.2); c.45G>A (NM_005428.3).
Identifiers: ClinVar variation 1632242 (VCV001632242.11), dbSNP rs770187705, ClinGen allele CA9132095.

ClinVar aggregate classification (germline): Likely benign. Review status: criteria provided, single submitter (1 of 4 stars). 2 submissions from 2 submitters: Likely benign (1). 1 of the submissions does not count toward it. Last evaluated 2025-09-07.

Conditions:
VAV1-related disorder. Also called: VAV1-related condition.

Allele frequency attached by ClinVar (database versions not stated): gnomAD exomes 0.00001; ExAC 0.00002; gnomAD 0.00005; TOPMed 0.00008.
gnomAD v4.1: 12 of 1,613,934 alleles (0.00074%); highest among the groups gnomAD compares: African/African-American, 0.012%; no homozygotes.

Submissions (2):

Labcorp Genetics (formerly Invitae), Labcorp
Classification: Likely benign. Last evaluated: 2025-09-07. Review status: criteria provided, single submitter. Criteria: Invitae Variant Classification Sherloc (09022015). Collection method: clinical testing. Allele origin: germline.

PreventionGenetics, part of Exact Sciences
Classification: Likely benign for VAV1-related condition. Last evaluated: 2023-06-08. Review status: no assertion criteria provided. Collection method: clinical testing. Allele origin: germline. Not counted in ClinVar's aggregate classification.
Comment: This variant is classified as likely benign based on ACMG/AMP sequence variant interpretation guidelines (Richards et al. 2015 PMID: 25741868, with internal and published modifications).